The following is an entry in ClinVar:

NM_001042492.3(NF1):c.3763C>G (p.Gln1255Glu)

Gene: NF1 (neurofibromin 1; plus strand). Cytogenetic location: 17q11.2.
Variant type: single nucleotide variant.
Coding change: c.3763C>G on transcript NM_001042492.3 (MANE Select); coding-DNA position 3763, C replaced by G.
Protein change: p.Gln1255Glu; replaces glutamine 1255 with glutamic acid.
Molecular consequence: missense variant.
Genome position (GRCh38, 1-based): chr17:31,235,665, C>G. VCF-style: chr17-31235665-C-G. GRCh37 (hg19) VCF-style: chr17-29562683-C-G.
Other names: c.3763C>G, p.Gln1255Glu (NM_000267.4); short protein forms Q1255E.
Identifiers: ClinVar variation 2885799 (VCV002885799.3), dbSNP rs1060500308, ClinGen allele CA398992510.

ClinVar aggregate classification (germline): Uncertain significance (1 of 4 stars; one submission).

Conditions:
Neurofibromatosis, type 1 (NF1). Also called: Neurofibromatosis, type I; VON RECKLINGHAUSEN DISEASE; Peripheral type neurofibromatosis; NEUROFIBROMATOSIS, TYPE I, SOMATIC. Identifiers: Orphanet 636, MedGen C0027831, MONDO:0018975, OMIM 162200. Disease mechanism: loss of function.

Submission:

Labcorp Genetics (formerly Invitae), Labcorp
Classification: Uncertain significance for Neurofibromatosis, type 1. Last evaluated: 2024-01-02. Review status: criteria provided, single submitter. Criteria: Invitae Variant Classification Sherloc (09022015). Collection method: clinical testing. Allele origin: germline.
Comment: This sequence change replaces glutamine, which is neutral and polar, with glutamic acid, which is acidic and polar, at codon 1255 of the NF1 protein (p.Gln1255Glu). This variant is not present in population databases (gnomAD no frequency). This variant has not been reported in the literature in individuals affected with NF1-related conditions. Advanced modeling of protein sequence and biophysical properties (such as structural, functional, and spatial information, amino acid conservation, physicochemical variation, residue mobility, and thermodynamic stability) performed at Invitae indicates that this missense variant is not expected to disrupt NF1 protein function with a negative predictive value of 95%. This variant disrupts the p.Gln1255 amino acid residue in NF1. Other variant(s) that disrupt this residue have been determined to be pathogenic (PMID: 21520333; Invitae). This suggests that this residue is clinically significant, and that variants that disrupt this residue are likely to be disease-causing. In summary, the available evidence is currently insufficient to determine the role of this variant in disease. Therefore, it has been classified as a Variant of Uncertain Significance.

Literature cited by the submitters: PubMed 21520333.